The following is an entry in ClinVar:

NM_015466.4(PTPN23):c.1486C>T (p.Arg496Ter)

Gene: PTPN23 (protein tyrosine phosphatase non-receptor type 23; plus strand). Cytogenetic location: 3p21.31.
Variant type: single nucleotide variant.
Coding change: c.1486C>T on transcript NM_015466.4 (MANE Select); coding-DNA position 1486, C replaced by T.
Protein change: p.Arg496Ter; replaces arginine 496 with a stop codon.
Molecular consequence: nonsense.
Genome position (GRCh38, 1-based): chr3:47,408,931, C>T. VCF-style: chr3-47408931-C-T. GRCh37 (hg19) VCF-style: chr3-47450421-C-T.
Other names: c.1108C>T, p.Arg370Ter (NM_001304482.2); short protein forms R496*, R370*.
Identifiers: ClinVar variation 2739549 (VCV002739549.3), dbSNP rs2546246459, ClinGen allele CA352553997.
Genomic context (GRCh38, chr3:47,408,931, plus strand): 5'-GCGGTGGGCCAGGCAGGGGCCATCTCCATCACCTCCAAGGCTGAGCTGGCAGAGGTGAGG[C>T]GAGAATGGGCCAAGTACATGGAAGTCCATGAGAAGGCCTCCTTCACCAACAGTGAGCTGC-3'

ClinVar aggregate classification (germline): Pathogenic (1 of 4 stars; one submission).

Allele frequency attached by ClinVar (database versions not stated): gnomAD exomes below 0.00001.
gnomAD v4.1: 1 of 1,614,248 alleles (0.000062%); highest among the groups gnomAD compares: Non-Finnish European, 0.000085%; no homozygotes.

Submission:

Labcorp Genetics (formerly Invitae), Labcorp
Classification: Pathogenic. Last evaluated: 2025-02-20. Review status: criteria provided, single submitter. Criteria: Invitae Variant Classification Sherloc (09022015). Collection method: clinical testing. Allele origin: germline.
Comment: This sequence change creates a premature translational stop signal (p.Arg496*) in the PTPN23 gene. It is expected to result in an absent or disrupted protein product. Loss-of-function variants in PTPN23 are known to be pathogenic (PMID: 29090338, 29899372). This variant is not present in population databases (gnomAD no frequency). This variant has not been reported in the literature in individuals affected with PTPN23-related conditions. ClinVar contains an entry for this variant (Variation ID: 2739549). For these reasons, this variant has been classified as Pathogenic.

Literature cited by the submitters: PubMed 29090338; PubMed 29899372.